The following is an entry in ClinVar:

ClinVar aggregate classification (germline): Uncertain significance (1 of 4 stars; one submission).

Conditions:
Holoprosencephaly 4 (HPE4). Identifiers: Orphanet 2162, MedGen C1840528, MONDO:0007734, OMIM 142946.

gnomAD v4.1: 2 of 1,602,400 alleles (0.00012%); highest among the groups gnomAD compares: Non-Finnish European, 0.000085%; no homozygotes.

Submission:

Labcorp Genetics (formerly Invitae), Labcorp
Classification: Uncertain significance for Holoprosencephaly 4. Last evaluated: 2025-12-23. Review status: criteria provided, single submitter. Criteria: Invitae Variant Classification Sherloc (09022015). Collection method: clinical testing. Allele origin: germline.
Comment: This sequence change replaces lysine, which is basic and polar, with arginine, which is basic and polar, at codon 259 of the TGIF1 protein (p.Lys259Arg). This variant is not present in population databases (gnomAD no frequency). This variant has not been reported in the literature in individuals affected with TGIF1-related conditions. Invitae Evidence Modeling of protein sequence and biophysical properties (such as structural, functional, and spatial information, amino acid conservation, physicochemical variation, residue mobility, and thermodynamic stability) indicates that this missense variant is not expected to disrupt TGIF1 protein function with a negative predictive value of 80%. In summary, the available evidence is currently insufficient to determine the role of this variant in disease. Therefore, it has been classified as a Variant of Uncertain Significance.

NM_003244.4(TGIF1):c.776A>G (p.Lys259Arg)

Gene: TGIF1 (TGFB induced factor homeobox 1; plus strand). Cytogenetic location: 18p11.31.
Variant type: single nucleotide variant.
Coding change: c.776A>G on transcript NM_003244.4 (MANE Select); coding-DNA position 776, A replaced by G.
Protein change: p.Lys259Arg; replaces lysine 259 with arginine.
Molecular consequence: missense variant.
Genome position (GRCh38, 1-based): chr18:3,457,897, A>G. VCF-style: chr18-3457897-A-G. GRCh37 (hg19) VCF-style: chr18-3457895-A-G.
Other names: c.785A>G, p.Lys262Arg (NM_001278682.2); c.776A>G, p.Lys259Arg (NM_001278684.2, NM_173208.3); c.716A>G, p.Lys239Arg (NM_001278686.3, NM_001374396.1, NM_001374397.1 and 5 more transcripts); c.818A>G, p.Lys273Arg (NM_173207.4); short protein forms K259R, K262R, K239R, K273R.
Identifiers: ClinVar variation 4716633 (VCV004716633.1).